The following is an entry in ClinVar:

ClinVar aggregate classification (germline): Pathogenic (1 of 4 stars; one submission).

Conditions:
Inborn genetic diseases. Identifiers: MedGen C0950123, MeSH D030342.

Submission:

Ambry Genetics
Classification: Pathogenic for Inborn genetic diseases. Last evaluated: 2025-06-19. Review status: criteria provided, single submitter. Criteria: Ambry Variant Classification Scheme 2023. Collection method: clinical testing. Allele origin: germline.
Comment: The c.963dupT pathogenic mutation, located in coding exon 5 of the ETV6 gene, results from a duplication of T at nucleotide position 963, causing a translational frameshift with a predicted alternate stop codon (p.V322Cfs*5). This variant is considered to be rare based on population cohorts in the Genome Aggregation Database (gnomAD). This alteration is expected to result in loss of function by premature protein truncation or nonsense-mediated mRNA decay. As such, this alteration is interpreted as a disease-causing mutation.

NM_001987.5(ETV6):c.963dup (p.Val322fs)

Gene: ETV6 (ETS variant transcription factor 6; plus strand). Cytogenetic location: 12p13.2.
Variant type: Duplication.
Coding change: c.963dup on transcript NM_001987.5 (MANE Select); coding-DNA position 963, one base duplicated (T; older notation c.963dupT).
Protein change: p.Val322fs; shifts the reading frame from valine 322.
Molecular consequence: frameshift variant.
Genome position (GRCh38, 1-based): chr12:11,869,923, T duplicated. VCF-style (leftmost placement, unchanged base first): chr12-11869922-C-CT. GRCh37 (hg19) VCF-style: chr12-12022856-C-CT.
Other names: c.960dup, p.Val321fs (NM_001413913.1); c.936dup, p.Val313fs (NM_001413914.1); c.699dup, p.Val234fs (NM_001413915.1); c.963dup, p.Val322fs (NM_001413916.1, NM_001413917.1); c.963dupT (NM_001987.4); short protein forms V321fs, V234fs, V313fs, V322fs.
Identifiers: ClinVar variation 4251428 (VCV004251428.1).